The following is an entry in ClinVar:

NM_024027.5(COLEC11):c.744G>A (p.Ser248=)

Gene: COLEC11 (collectin subfamily member 11; plus strand). Cytogenetic location: 2p25.3.
Variant type: single nucleotide variant.
Coding change: c.744G>A on transcript NM_024027.5 (MANE Select); coding-DNA position 744, G replaced by A.
Protein change: p.Ser248=; no amino-acid change (serine 248 retained).
Molecular consequence: synonymous variant. On other transcripts: non-coding transcript variant (1).
Genome position (GRCh38, 1-based): chr2:3,644,046, G>A. VCF-style: chr2-3644046-G-A. GRCh37 (hg19) VCF-style: chr2-3691636-G-A.
Other names: c.672G>A, p.Ser224= (NM_001255982.2, NM_001255983.2); c.600G>A, p.Ser200= (NM_001255984.2); c.786G>A, p.Ser262= (NM_001255985.1); c.666G>A, p.Ser222= (NM_001255986.1); c.594G>A, p.Ser198= (NM_001255987.1, NM_001255988.1); c.522G>A, p.Ser174= (NM_001255989.1); c.735G>A, p.Ser245= (NM_199235.3).
Identifiers: ClinVar variation 744490 (VCV000744490.8), dbSNP rs369567362, ClinGen allele CA1517148.
Genomic context (GRCh38, chr2:3,644,046, plus strand): 5'-GCGCAGCGGTGAGCCCAACAATGCCTACGACGAGGAGGACTGCGTGGAGATGGTGGCCTC[G>A]GGCGGCTGGAACGACGTGGCCTGCCACACCACCATGTACTTCATGTGTGAGTTTGACAAG-3'
Protein context (NP_076932.1, residues 238-258): DEEDCVEMVA[Ser248=]GGWNDVACHT

ClinVar aggregate classification (germline): Likely benign. Review status: criteria provided, multiple submitters, no conflicts (2 of 4 stars). 3 submissions from 3 submitters: Likely benign (3). Last evaluated 2025-09-02.

Conditions:
COLEC11-related disorder. Also called: COLEC11-related condition.

Allele frequency attached by ClinVar (database versions not stated): TOPMed 0.00002; ESP Exome Variant Server 0.00008.
gnomAD v4.1: 29 of 1,613,650 alleles (0.0018%); highest among the groups gnomAD compares: Admixed American, 0.0083%; no homozygotes.

Submissions (3):

PreventionGenetics, part of Exact Sciences
Classification: Likely benign for COLEC11-related condition. Last evaluated: 2025-09-02. Review status: criteria provided, single submitter. Criteria: ACMG Guidelines, 2015. Collection method: clinical testing. Allele origin: germline.
Comment: This variant is classified as likely benign based on ACMG/AMP sequence variant interpretation guidelines (Richards et al. 2015 PMID: 25741868, with internal and published modifications).

Blueprint Genetics
Classification: Likely benign. Last evaluated: 2024-07-19. Review status: criteria provided, single submitter. Criteria: ACMG Guidelines, 2015. Collection method: clinical testing. Allele origin: germline.

Labcorp Genetics (formerly Invitae), Labcorp
Classification: Likely benign. Last evaluated: 2024-04-27. Review status: criteria provided, single submitter. Criteria: Invitae Variant Classification Sherloc (09022015). Collection method: clinical testing. Allele origin: germline.